The following is an entry in ClinVar:

NM_016507.4(CDK12):c.580C>T (p.His194Tyr)

Genes: CDK12 (cyclin dependent kinase 12; plus strand), LOC126862553 (CDK7 strongly-dependent group 2 enhancer GRCh37_chr17:37618166-37619365; plus strand). Cytogenetic location: 17q12.
Variant type: single nucleotide variant.
Coding change: c.580C>T on transcript NM_016507.4 (MANE Select); coding-DNA position 580, C replaced by T.
Protein change: p.His194Tyr; replaces histidine 194 with tyrosine.
Molecular consequence: missense variant.
Genome position (GRCh38, 1-based): chr17:39,462,651, C>T. VCF-style: chr17-39462651-C-T. GRCh37 (hg19) VCF-style: chr17-37618904-C-T.
Other names: c.580C>T, p.His194Tyr (NM_015083.4); short protein forms H194Y.
Identifiers: ClinVar variation 3999224 (VCV003999224.1).

ClinVar aggregate classification (germline): Uncertain significance (1 of 4 stars; one submission).

gnomAD v4.1: 1 of 1,614,040 alleles (0.000062%); highest among the groups gnomAD compares: Non-Finnish European, 0.000085%; no homozygotes.

Submission:

Ambry Genetics
Classification: Uncertain significance. Last evaluated: 2025-03-16. Review status: criteria provided, single submitter. Criteria: Ambry Variant Classification Scheme 2023. Collection method: clinical testing. Allele origin: germline.
Comment: The p.H194Y variant (also known as c.580C>T), located in coding exon 1 of the CDK12 gene, results from a C to T substitution at nucleotide position 580. The histidine at codon 194 is replaced by tyrosine, an amino acid with similar properties. This amino acid position is conserved. In addition, this alteration is predicted to be tolerated by in silico analysis. Based on the available evidence, the clinical significance of this variant remains unclear.